The following is an entry in ClinVar:

NM_004606.5(TAF1):c.881A>T (p.Asn294Ile)

Gene: TAF1 (TATA-box binding protein associated factor 1; plus strand). Cytogenetic location: Xq13.1.
Variant type: single nucleotide variant.
Coding change: c.881A>T on transcript NM_004606.5 (MANE Select); coding-DNA position 881, A replaced by T.
Protein change: p.Asn294Ile; replaces asparagine 294 with isoleucine.
Molecular consequence: missense variant. On other transcripts: non-coding transcript variant (9).
Genome position (GRCh38, 1-based): chrX:71,377,769, A>T. VCF-style: chrX-71377769-A-T. GRCh37 (hg19) VCF-style: chrX-70597619-A-T.
Other names: c.881A>T, p.Asn294Ile (NM_001286074.2); c.818A>T, p.Asn273Ile (NM_138923.4); short protein forms N273I, N294I.
Identifiers: ClinVar variation 2722893 (VCV002722893.3), dbSNP rs2520137544, ClinGen allele CA413507876.

ClinVar aggregate classification (germline): Uncertain significance (1 of 4 stars; one submission).

Submission:

Labcorp Genetics (formerly Invitae), Labcorp
Classification: Uncertain significance. Last evaluated: 2023-04-24. Review status: criteria provided, single submitter. Criteria: Invitae Variant Classification Sherloc (09022015). Collection method: clinical testing. Allele origin: germline.
Comment: In summary, the available evidence is currently insufficient to determine the role of this variant in disease. Therefore, it has been classified as a Variant of Uncertain Significance. Algorithms developed to predict the effect of missense changes on protein structure and function output the following: SIFT: "Not Available"; PolyPhen-2: "Benign"; Align-GVGD: "Not Available". The isoleucine amino acid residue is found in multiple mammalian species, which suggests that this missense change does not adversely affect protein function. This variant has not been reported in the literature in individuals affected with TAF1-related conditions. This variant is not present in population databases (gnomAD no frequency). This sequence change replaces asparagine, which is neutral and polar, with isoleucine, which is neutral and non-polar, at codon 314 of the TAF1 protein (p.Asn314Ile).